The following is an entry in ClinVar:

NM_002529.4(NTRK1):c.157G>C (p.Asp53His)

Gene: NTRK1 (neurotrophic receptor tyrosine kinase 1; plus strand). Cytogenetic location: 1q23.1.
Variant type: single nucleotide variant.
Coding change: c.157G>C on transcript NM_002529.4 (MANE Select); coding-DNA position 157, G replaced by C.
Protein change: p.Asp53His; replaces aspartic acid 53 with histidine.
Molecular consequence: missense variant. On other transcripts: intron variant (1).
Genome position (GRCh38, 1-based): chr1:156,861,091, G>C. VCF-style: chr1-156861091-G-C. GRCh37 (hg19) VCF-style: chr1-156830883-G-C.
Other names: p.Asp53His; c.157G>C, p.Asp53His (NM_001012331.2); c.123-3263G>C (NM_001007792.1); c.157G>C (NM_002529.3); short protein forms D53H.
Identifiers: ClinVar variation 292871 (VCV000292871.60), dbSNP rs200815412, ClinGen allele CA1168828.
Genomic context (GRCh38, chr1:156,861,091, plus strand): 5'-GCCGCACCCTGCCCCGATGCCTGCTGCCCCCACGGCTCCTCGGGACTGCGATGCACCCGG[G>C]ATGGGGCCCTGGATAGCCTCCACCACCTGCCCGGCGCAGAGAACCTGACTGAGCTGTGAG-3'
Protein context (NP_002520.2, residues 43-63): HGSSGLRCTR[Asp53His]GALDSLHHLP

ClinVar aggregate classification (germline): Conflicting classifications of pathogenicity. Review status: criteria provided, conflicting classifications (1 of 4 stars). 8 submissions from 8 submitters: Uncertain significance (1); Benign (2); Likely benign (3). 2 of the submissions do not count toward it. Last evaluated 2026-02-01.

Conditions:
NTRK1-related disorder. Also called: NTRK1-related condition.
Inborn genetic diseases. Identifiers: MedGen C0950123, MeSH D030342.
Hereditary insensitivity to pain with anhidrosis (CIPA). Also called: HSAN Type IV; hereditary sensory and autonomic neuropathy type 4; INSENSITIVITY TO PAIN, CONGENITAL, WITH ANHIDROSIS; FAMILIAL DYSAUTONOMIA, TYPE II; NTRK1 Congenital Insensitivity to Pain with Anhidrosis; NEUROPATHY, CONGENITAL SENSORY, WITH ANHIDROSIS. Identifiers: Orphanet 642, MedGen C0020074, MONDO:0009746, OMIM 256800.

Allele frequency attached by ClinVar (database versions not stated): ESP Exome Variant Server 0.00080; ExAC 0.00114; 1000 Genomes Project 0.00160; gnomAD 0.00166 and 0.00187; TOPMed 0.00174; 1000 Genomes Project 30x 0.00250.
gnomAD v4.1: 520 of 1,584,260 alleles (0.033%); highest among the groups gnomAD compares: African/African-American, 0.55%; 2 homozygotes.

Submissions (8):

Labcorp Genetics (formerly Invitae), Labcorp
Classification: Benign for Hereditary insensitivity to pain with anhidrosis. Last evaluated: 2026-02-01. Review status: criteria provided, single submitter. Criteria: Invitae Variant Classification Sherloc (09022015). Collection method: clinical testing. Allele origin: germline.

GeneDx
Classification: Uncertain significance. Last evaluated: 2025-12-10. Review status: criteria provided, single submitter. Criteria: GeneDx Variant Classification Process June 2021. Collection method: clinical testing. Allele origin: germline. Affected: yes.
Comment: In silico analysis suggests that this missense variant does not alter protein structure/function; Has not been previously published as pathogenic or benign to our knowledge

Mayo Clinic Laboratories, Mayo Clinic
Classification: Benign. Last evaluated: 2025-03-17. Review status: criteria provided, single submitter. Criteria: ACMG Guidelines, 2015. Collection method: clinical testing. Allele origin: germline. Observed: 1 variant allele.
Comment: BA1, BP4

CeGaT Center for Human Genetics Tuebingen
Classification: Likely benign. Last evaluated: 2021-04-01. Review status: criteria provided, single submitter. Criteria: CeGaT Center For Human Genetics Tuebingen Variant Classification Criteria Version 2. Collection method: clinical testing. Allele origin: germline. Affected: yes. Observed: 1 variant allele.

Ambry Genetics
Classification: Likely benign for Inborn genetic diseases. Last evaluated: 2019-10-01. Review status: criteria provided, single submitter. Criteria: Ambry Variant Classification Scheme 2023. Collection method: clinical testing. Allele origin: germline.

Illumina Laboratory Services, Illumina
Classification: Likely benign for Hereditary insensitivity to pain with anhidrosis. Last evaluated: 2018-01-13. Review status: criteria provided, single submitter. Criteria: ICSL Variant Classification Criteria 13 December 2019. Collection method: clinical testing. Allele origin: germline.
Comment: This variant was observed in the ICSL laboratory as part of a predisposition screen in an ostensibly healthy population. It had not been previously curated by ICSL or reported in the Human Gene Mutation Database (HGMD: prior to June 1st, 2018), and was therefore a candidate for classification through an automated scoring system. Utilizing variant allele frequency, disease prevalence and penetrance estimates, and inheritance mode, an automated score was calculated to assess if this variant is too frequent to cause the disease. Based on the score and internal cut-off values, a variant classified as likely benign is not then subjected to further curation. The score for this variant resulted in a classification of likely benign for this disease.

PreventionGenetics, part of Exact Sciences
Classification: Likely benign for NTRK1-related condition. Last evaluated: 2021-12-01. Review status: no assertion criteria provided. Collection method: clinical testing. Allele origin: germline. Not counted in ClinVar's aggregate classification.
Comment: This variant is classified as likely benign based on ACMG/AMP sequence variant interpretation guidelines (Richards et al. 2015 PMID: 25741868, with internal and published modifications).

Natera, Inc.
Classification: Uncertain significance for Hereditary insensitivity to pain with anhidrosis. Last evaluated: 2020-04-17. Review status: no assertion criteria provided. Collection method: clinical testing. Allele origin: germline. Not counted in ClinVar's aggregate classification.